The following is an entry in ClinVar:

ClinVar aggregate classification (germline): Pathogenic (1 of 4 stars; one submission).

Submission:

Labcorp Genetics (formerly Invitae), Labcorp
Classification: Pathogenic. Last evaluated: 2025-07-24. Review status: criteria provided, single submitter. Criteria: Invitae Variant Classification Sherloc (09022015). Collection method: clinical testing. Allele origin: germline.
Comment: This sequence change creates a premature translational stop signal (p.Arg52Lysfs*6) in the SMARCB1 gene. It is expected to result in an absent or disrupted protein product. Loss-of-function variants in SMARCB1 are known to be pathogenic (PMID: 10521299, 21208904). This variant is not present in population databases (gnomAD no frequency). This variant has not been reported in the literature in individuals affected with SMARCB1-related conditions. For these reasons, this variant has been classified as Pathogenic.

Literature cited by the submitters: PubMed 10521299; PubMed 21208904.

NM_003073.5(SMARCB1):c.150_168del (p.Arg52fs)

Gene: SMARCB1 (SWI/SNF related BAF chromatin remodeling complex subunit B1; plus strand). Cytogenetic location: 22q11.23.
Variant type: Deletion.
Coding change: c.150_168del on transcript NM_003073.5 (MANE Select); coding-DNA positions 150 to 168, 19 bases deleted (CTGGAGGCGACTAGCCACT).
Protein change: p.Arg52fs; shifts the reading frame from arginine 52.
Molecular consequence: frameshift variant.
Genome position (GRCh38, 1-based): chr22:23,791,812-23,791,830, CTGGAGGCGACTAGCCACT deleted; deleting any 19 consecutive bases within chr22:23,791,808-23,791,830 gives the same sequence; the c. name uses the placement nearest the transcript's 3' end. VCF-style (leftmost placement, unchanged base first): chr22-23791807-TCACTCTGGAGGCGACTAGC-T. GRCh37 (hg19) VCF-style: chr22-24133994-TCACTCTGGAGGCGACTAGC-T.
Other names: c.150_168del, p.Arg52fs (NM_001007468.3, NM_001317946.2, NM_001362877.2); short protein forms R52fs.
Identifiers: ClinVar variation 4723954 (VCV004723954.1).